The following is an entry in ClinVar:

NM_000135.4(FANCA):c.2113A>C (p.Ser705Arg)

Gene: FANCA (FA complementation group A; minus strand). Cytogenetic location: 16q24.3.
Variant type: single nucleotide variant.
Coding change: c.2113A>C on transcript NM_000135.4 (MANE Select); coding-DNA position 2113, A replaced by C.
Protein change: p.Ser705Arg; replaces serine 705 with arginine.
Molecular consequence: missense variant.
Genome position (GRCh38, 1-based): chr16:89,771,716, T>G on the plus strand (A>C on the coding strand, the complement: FANCA is on the minus strand). VCF-style: chr16-89771716-T-G. GRCh37 (hg19) VCF-style: chr16-89838124-T-G.
Other names: c.2113A>C, p.Ser705Arg (NM_001286167.3); short protein forms S705R.
Identifiers: ClinVar variation 4619262 (VCV004619262.1).

ClinVar aggregate classification (germline): Uncertain significance (1 of 4 stars; one submission).

Conditions:
Inborn genetic diseases. Identifiers: MedGen C0950123, MeSH D030342.

Submission:

Ambry Genetics
Classification: Uncertain significance for Inborn genetic diseases. Last evaluated: 2025-11-10. Review status: criteria provided, single submitter. Criteria: Ambry Variant Classification Scheme 2023. Collection method: clinical testing. Allele origin: germline.
Comment: The p.S705R variant (also known as c.2113A>C), located in coding exon 23 of the FANCA gene, results from an A to C substitution at nucleotide position 2113. The serine at codon 705 is replaced by arginine, an amino acid with dissimilar properties. This amino acid position is conserved. In addition, this alteration is predicted to be tolerated by in silico analysis. Based on the available evidence, the clinical significance of this variant remains unclear.